The following is an entry in ClinVar:

ClinVar aggregate classification (germline): Conflicting classifications of pathogenicity. Review status: criteria provided, conflicting classifications (1 of 4 stars). 3 submissions from 3 submitters: Uncertain significance (2); Likely benign (1). Last evaluated 2024-05-22.

Conditions:
Inborn genetic diseases. Identifiers: MedGen C0950123, MeSH D030342.
Cobblestone lissencephaly without muscular or ocular involvement. Also called: LEUKOENCEPHALOPATHY WITH VARIABLE CORTICAL BRAIN MALFORMATIONS AND/OR HYDROCEPHALUS; Lissencephaly 5. Identifiers: Orphanet 352682, MedGen C3554657, MONDO:0014077, OMIM 615191.

Allele frequency attached by ClinVar (database versions not stated): gnomAD exomes 0.00007; gnomAD 0.00009 and 0.00012; ExAC 0.00005; TOPMed 0.00014.
gnomAD v4.1: 61 of 1,613,940 alleles (0.0038%); highest among the groups gnomAD compares: South Asian, 0.026%; no homozygotes.

Submissions (3):

Fulgent Genetics
Classification: Uncertain significance for Cobblestone lissencephaly without muscular or ocular involvement. Last evaluated: 2024-05-22. Review status: criteria provided, single submitter. Criteria: ACMG Guidelines, 2015. Collection method: clinical testing. Allele origin: germline.

Ambry Genetics
Classification: Likely benign for Inborn genetic diseases. Last evaluated: 2023-06-02. Review status: criteria provided, single submitter. Criteria: Ambry Variant Classification Scheme 2023. Collection method: clinical testing. Allele origin: germline.

Labcorp Genetics (formerly Invitae), Labcorp
Classification: Uncertain significance. Last evaluated: 2021-11-23. Review status: criteria provided, single submitter. Criteria: Invitae Variant Classification Sherloc (09022015). Collection method: clinical testing. Allele origin: germline.
Comment: This sequence change replaces arginine, which is basic and polar, with glutamine, which is neutral and polar, at codon 1363 of the LAMB1 protein (p.Arg1363Gln). This variant is present in population databases (rs750869685, gnomAD 0.02%). This variant has not been reported in the literature in individuals affected with LAMB1-related conditions. Algorithms developed to predict the effect of missense changes on protein structure and function output the following: SIFT: "Deleterious"; PolyPhen-2: "Benign"; Align-GVGD: "Class C35". The glutamine amino acid residue is found in multiple mammalian species, which suggests that this missense change does not adversely affect protein function. In summary, the available evidence is currently insufficient to determine the role of this variant in disease. Therefore, it has been classified as a Variant of Uncertain Significance.

NM_002291.3(LAMB1):c.4088G>A (p.Arg1363Gln)

Gene: LAMB1 (laminin subunit beta 1; minus strand). Cytogenetic location: 7q31.1.
Variant type: single nucleotide variant.
Coding change: c.4088G>A on transcript NM_002291.3 (MANE Select); coding-DNA position 4088, G replaced by A.
Protein change: p.Arg1363Gln; replaces arginine 1363 with glutamine.
Molecular consequence: missense variant.
Genome position (GRCh38, 1-based): chr7:107,935,515, C>T on the plus strand (G>A on the coding strand, the complement: LAMB1 is on the minus strand). VCF-style: chr7-107935515-C-T. GRCh37 (hg19) VCF-style: chr7-107575960-C-T.
Other names: c.4088G>A (NM_002291.2); short protein forms R1363Q.
Identifiers: ClinVar variation 1353429 (VCV001353429.7), dbSNP rs750869685, ClinGen allele CA4435156.